The following is an entry in ClinVar:

NM_001110556.2(FLNA):c.1823C>T (p.Thr608Met)

Gene: FLNA (filamin A; minus strand). Cytogenetic location: Xq28.
Variant type: single nucleotide variant.
Coding change: c.1823C>T on transcript NM_001110556.2 (MANE Select); coding-DNA position 1823, C replaced by T.
Protein change: p.Thr608Met; replaces threonine 608 with methionine.
Molecular consequence: missense variant.
Genome position (GRCh38, 1-based): chrX:154,364,826, G>A on the plus strand (C>T on the coding strand, the complement: FLNA is on the minus strand). VCF-style: chrX-154364826-G-A. GRCh37 (hg19) VCF-style: chrX-153593194-G-A.
Other names: c.1823C>T, p.Thr608Met (NM_001456.4); short protein forms T608M.
Identifiers: ClinVar variation 661868 (VCV000661868.16), dbSNP rs1603362434, ClinGen allele CA415242204.

ClinVar aggregate classification (germline): Uncertain significance. Review status: criteria provided, multiple submitters, no conflicts (2 of 4 stars). 6 submissions from 5 submitters: Uncertain significance (6). Last evaluated 2025-09-10.

Conditions:
Melnick-Needles syndrome (MNS). Also called: MELNICK-NEEDLES OSTEODYSPLASTY; Melnick-Needles Syndrome (FLNA-MNS); OSTEODYSPLASTY OF MELNICK AND NEEDLES. Identifiers: Orphanet 2484, MedGen C0025237, MONDO:0010650, OMIM 309350.
Frontometaphyseal dysplasia (FMD1). Identifiers: Orphanet 1826, MedGen C0265293, MONDO:0015942.
Heterotopia, periventricular, X-linked dominant (PVNH1). Also called: X-linked periventricular heterotopia; PERIVENTRICULAR NODULAR HETEROTOPIA 4; HETEROTOPIA, PERIVENTRICULAR, 1; PERIVENTRICULAR NODULAR HETEROTOPIA 1. Identifiers: Orphanet 2149, Orphanet 82004, MedGen C1848213, MONDO:0010233, OMIM 300049.
Oto-palato-digital syndrome, type II (OPD2). Also called: FACIOPALATOOSSEOUS SYNDROME; Otopalatodigital Syndrome, Type II; Otopalatodigital Syndrome Type 2 (FLNA-OPD2); OPD II SYNDROME. Identifiers: Orphanet 669, Orphanet 90652, MedGen C1844696, MONDO:0010571, OMIM 304120.
FG syndrome 2 (FGS2). Identifiers: MedGen C1845902, MONDO:0010297, OMIM 300321.
Intestinal pseudoobstruction, neuronal, chronic idiopathic, X-linked (CIIPX). Also called: INTESTINAL PSEUDOOBSTRUCTION, NEURONAL, CHRONIC IDIOPATHIC, WITH CENTRAL NERVOUS SYSTEM INVOLVEMENT; FLNA-Related Periventricular Nodular Heterotopia (FLNA-Related PVNH; Huttenlocher Syndrome); CONGENITAL IDIOPATHIC INTESTINAL PSEUDOOBSTRUCTION. Identifiers: Orphanet 2301, MedGen C2746068, MONDO:0010232, OMIM 300048.
Frontometaphyseal dysplasia 1 (FMD1). Also called: Frontometaphyseal Dysplasia (FLNA-FMD). Identifiers: Orphanet 1826, MedGen C4281559, MONDO:0024550, OMIM 305620.
Terminal osseous dysplasia-pigmentary defects syndrome. Also called: Terminal Osseous Dysplasia (FLNA-TOD); ODPF SYNDROME; ODPD; TERMINAL OSSEOUS DYSPLASIA AND PIGMENTARY DEFECTS; OSSEOUS DYSPLASIA, DIGITAL, WITH FACIAL PIGMENTARY DEFECTS AND MULTIPLE FRENULA. Identifiers: Orphanet 88630, MedGen C1846129, MONDO:0010279, OMIM 300244.
Cardiac valvular dysplasia, X-linked (CVDPX). Also called: FLNA-Related X-linked Cardiac Valvular Dysplasia; MYXOMATOUS VALVULAR DYSTROPHY, X-LINKED; Congenital valvular dysplasia; Isolated X-Linked Cardiac Valvular Dysplasia; VALVULAR HEART DISEASE, CONGENITAL. Identifiers: Orphanet 1864, Orphanet 555877, Orphanet 75497, MedGen C0262436, MONDO:0010753, OMIM 314400.
Oto-palato-digital syndrome, type I (OPD1). Also called: Taybi syndrome; Otopalatodigital Syndrome, Type I; Otopalatodigital Syndrome Type 1 (FLNA-OPD1); OPD I SYNDROME; OPD SYNDROME 1. Identifiers: Orphanet 669, Orphanet 90650, MedGen C0265251, MONDO:0010704, OMIM 311300.
Myopathy, centronuclear, 2 (CNM2). Also called: MYOTUBULAR MYOPATHY, AUTOSOMAL RECESSIVE. Identifiers: Orphanet 169186, MedGen CN031787, MONDO:0009709, OMIM 255200.

Allele frequency attached by ClinVar (database versions not stated): TOPMed below 0.00001; gnomAD 0.00001.
gnomAD v4.1: 8 of 1,209,347 alleles (0.00066%); highest among the groups gnomAD compares: Admixed American, 0.0022%; no homozygotes.

Submissions (6):

Genomic Medicine Center of Excellence, King Faisal Specialist Hospital and Research Centre
Classification: Uncertain significance for Heterotopia, periventricular, X-linked dominant. Last evaluated: 2025-09-10. Review status: criteria provided, single submitter. Criteria: ACMG Guidelines, 2015. Collection method: clinical testing. Allele origin: germline.

Labcorp Genetics (formerly Invitae), Labcorp
Classification: Uncertain significance for Oto-palato-digital syndrome, type II; Heterotopia, periventricular, X-linked dominant; Frontometaphyseal dysplasia; Melnick-Needles syndrome. Last evaluated: 2025-05-04. Review status: criteria provided, single submitter. Criteria: Invitae Variant Classification Sherloc (09022015). Collection method: clinical testing. Allele origin: germline.
Comment: This sequence change replaces threonine, which is neutral and polar, with methionine, which is neutral and non-polar, at codon 608 of the FLNA protein (p.Thr608Met). This variant is not present in population databases (gnomAD no frequency). This missense change has been observed in individual(s) with periventricular nodular heterotopia (PMID: 35660364). ClinVar contains an entry for this variant (Variation ID: 661868). Invitae Evidence Modeling of protein sequence and biophysical properties (such as structural, functional, and spatial information, amino acid conservation, physicochemical variation, residue mobility, and thermodynamic stability) indicates that this missense variant is not expected to disrupt FLNA protein function with a negative predictive value of 95%. In summary, the available evidence is currently insufficient to determine the role of this variant in disease. Therefore, it has been classified as a Variant of Uncertain Significance.

GeneDx
Classification: Uncertain significance. Last evaluated: 2025-03-26. Review status: criteria provided, single submitter. Criteria: GeneDx Variant Classification Process June 2021. Collection method: clinical testing. Allele origin: germline. Affected: yes.
Comment: Not observed at significant frequency in large population cohorts (gnomAD); In silico analysis supports that this missense variant has a deleterious effect on protein structure/function; This variant is associated with the following publications: (PMID: 35660364)

Genomic Medicine Center of Excellence, King Faisal Specialist Hospital and Research Centre
Classification: Uncertain significance for Myopathy, centronuclear, 2. Last evaluated: 2024-12-17. Review status: criteria provided, single submitter. Criteria: ACMG Guidelines, 2015. Collection method: clinical testing. Allele origin: germline.

Blueprint Genetics
Classification: Uncertain significance. Last evaluated: 2023-12-27. Review status: criteria provided, single submitter. Criteria: ACMG Guidelines, 2015. Collection method: clinical testing. Allele origin: germline.

Fulgent Genetics
Classification: Uncertain significance for Intestinal pseudoobstruction, neuronal, chronic idiopathic, X-linked; Heterotopia, periventricular, X-linked dominant; Terminal osseous dysplasia-pigmentary defects syndrome; FG syndrome 2; Oto-palato-digital syndrome, type II; Frontometaphyseal dysplasia 1; Melnick-Needles syndrome; Oto-palato-digital syndrome, type I; Cardiac valvular dysplasia, X-linked. Last evaluated: 2021-10-07. Review status: criteria provided, single submitter. Criteria: ACMG Guidelines, 2015. Collection method: clinical testing. Allele origin: unknown.

Literature cited by the submitters: PubMed 35660364 (cited by Labcorp Genetics (formerly Invitae), Labcorp).